The following is an entry in ClinVar:

ClinVar aggregate classification (germline): Uncertain significance (1 of 4 stars; one submission).

gnomAD v4.1: 1 of 1,611,924 alleles (0.000062%); highest among the groups gnomAD compares: Non-Finnish European, 0.000085%; no homozygotes.

Submission:

GeneDx
Classification: Uncertain significance. Last evaluated: 2024-12-03. Review status: criteria provided, single submitter. Criteria: GeneDx Variant Classification Process June 2021. Collection method: clinical testing. Allele origin: germline. Affected: yes.
Comment: Not observed at significant frequency in large population cohorts (gnomAD); In silico analysis supports that this missense variant has a deleterious effect on protein structure/function; Has not been previously published as pathogenic or benign to our knowledge; This variant is associated with the following publications: (PMID: 21224407)

NM_000545.8(HNF1A):c.1340C>G (p.Pro447Arg)

Gene: HNF1A (HNF1 homeobox A; plus strand). Cytogenetic location: 12q24.31.
Variant type: single nucleotide variant.
Coding change: c.1340C>G on transcript NM_000545.8 (MANE Select); coding-DNA position 1340, C replaced by G.
Protein change: p.Pro447Arg; replaces proline 447 with arginine.
Molecular consequence: missense variant. On other transcripts: intron variant (1).
Genome position (GRCh38, 1-based): chr12:120,997,504, C>G. VCF-style: chr12-120997504-C-G. GRCh37 (hg19) VCF-style: chr12-121435307-C-G.
Other names: c.1340C>G, p.Pro447Arg (NM_001306179.2); c.1309+762C>G (NM_001406915.1); short protein forms P447R.
Identifiers: ClinVar variation 3901814 (VCV003901814.1).